The following is an entry in ClinVar:

NM_000419.5(ITGA2B):c.230G>A (p.Ser77Asn)

Gene: ITGA2B (integrin subunit alpha 2b; minus strand). Cytogenetic location: 17q21.31.
Variant type: single nucleotide variant.
Coding change: c.230G>A on transcript NM_000419.5 (MANE Select); coding-DNA position 230, G replaced by A.
Protein change: p.Ser77Asn; replaces serine 77 with asparagine.
Molecular consequence: missense variant.
Genome position (GRCh38, 1-based): chr17:44,386,090, C>T on the plus strand (G>A on the coding strand, the complement: ITGA2B is on the minus strand). VCF-style: chr17-44386090-C-T. GRCh37 (hg19) VCF-style: chr17-42463458-C-T.
Other names: NM_000419.5(ITGA2B):c.230G>A; p.Ser77Asn; c.230G>A (LRG_479t1); short protein forms S77N.
Identifiers: ClinVar variation 323571 (VCV000323571.5), dbSNP rs886053010, ClinGen allele CA10639820.

ClinVar aggregate classification (germline): Uncertain significance. Review status: reviewed by expert panel (3 of 4 stars). 2 submissions from 2 submitters: Uncertain significance (1). 1 of the submissions does not count toward it. Last evaluated 2023-08-15.

Conditions:
Glanzmann thrombasthenia. Also called: PLATELET GLYCOPROTEIN IIb-IIIa DEFICIENCY; Thrombasthenia; Glanzmann's thrombasthenia; BLEEDING DISORDER, PLATELET-TYPE, 2; THROMBASTHENIA OF GLANZMANN AND NAEGELI. Identifiers: Orphanet 849, MedGen C0040015, MONDO:0100326.

Allele frequency attached by ClinVar (database versions not stated): gnomAD exomes 0.00001.
gnomAD v4.1: 4 of 1,609,660 alleles (0.00025%); highest among the groups gnomAD compares: Middle Eastern, 0.05%; no homozygotes.

Submissions (2):

ClinGen Platelet Disorders Variant Curation Expert Panel, ClinGen
Classification: Uncertain significance for Glanzmann thrombasthenia. Last evaluated: 2023-08-15. Review status: reviewed by expert panel. Criteria: ClinGen Platelet ACMG Specifications v2-1. Collection method: curation. Allele origin: germline. Inheritance: Autosomal recessive inheritance.
Comment: After a thorough literature search the missense variant NM_000419.5(ITGA2B):c.230G>A (p.Ser77Asn) has not been found in any individuals with Glanzmann thrombasthenia. The variant is absent from gnomAD (PM2_supporting). The variant was originally identified by Illumina as part of a predisposition screen in an ostensibly healthy population. The computational predictor REVEL gives a score of 0.151, predicting no damaging effect on ITGA2B function (BP4). In summary, this variant meets the criteria to be classified as uncertain significance - insufficient evidence for autosomal recessive Glanzmann Thrombasthenia based on the ACMG/AMP criteria applied, as specified by the ClinGen PD VCEP: PM2_supporting and BP4 (VCEP specifications version 2).

Illumina Laboratory Services, Illumina
Classification: Uncertain significance for Glanzmann thrombasthenia 1. Last evaluated: 2018-01-13. Review status: criteria provided, single submitter. Criteria: ICSL Variant Classification Criteria 13 December 2019. Collection method: clinical testing. Allele origin: germline. Not counted in ClinVar's aggregate classification.